The following is an entry in ClinVar:

NM_001394062.1(MACF1):c.9062C>T (p.Thr3021Ile)

Gene: MACF1 (microtubule actin crosslinking factor 1; plus strand). Cytogenetic location: 1p34.3.
Variant type: single nucleotide variant.
Coding change: c.9062C>T on transcript NM_001394062.1 (MANE Select); coding-DNA position 9062, C replaced by T.
Protein change: p.Thr3021Ile; replaces threonine 3021 with isoleucine.
Molecular consequence: missense variant. On other transcripts: intron variant (1).
Genome position (GRCh38, 1-based): chr1:39,335,650, C>T. VCF-style: chr1-39335650-C-T. GRCh37 (hg19) VCF-style: chr1-39801322-C-T.
Other names: c.4629+8297C>T (NM_012090.5); short protein forms T3021I.
Identifiers: ClinVar variation 3067231 (VCV003067231.21), dbSNP rs754354538, ClinGen allele CA781081.

ClinVar aggregate classification (germline): Likely benign (1 of 4 stars; one submission).

Allele frequency attached by ClinVar (database versions not stated): TOPMed 0.00002; ExAC 0.00003; gnomAD 0.00003; gnomAD exomes 0.00004.
gnomAD v4.1: 56 of 1,613,880 alleles (0.0035%); highest among the groups gnomAD compares: Middle Eastern, 0.033%; no homozygotes.

Submission:

CeGaT Center for Human Genetics Tuebingen
Classification: Likely benign. Last evaluated: 2024-03-01. Review status: criteria provided, single submitter. Criteria: CeGaT Center For Human Genetics Tuebingen Variant Classification Criteria Version 2. Collection method: clinical testing. Allele origin: germline. Affected: yes. Observed: 1 variant allele.
Comment: MACF1: BP4